The following is an entry in ClinVar:

ClinVar aggregate classification (germline): Pathogenic (1 of 4 stars; one submission).

Allele frequency attached by ClinVar (database versions not stated): gnomAD exomes below 0.00001.
gnomAD v4.1: 3 of 1,614,022 alleles (0.00019%); highest among the groups gnomAD compares: Non-Finnish European, 0.00025%; no homozygotes.

Submission:

GeneDx
Classification: Pathogenic. Last evaluated: 2020-03-05. Review status: criteria provided, single submitter. Criteria: GeneDx Variant Classification Process June 2021. Collection method: clinical testing. Allele origin: germline. Affected: yes.
Comment: Nonsense variant predicted to result in protein truncation or nonsense mediated decay in a gene for which loss-of-function is a known mechanism of disease; Not observed at a significant frequency in large population cohorts (Lek et al., 2016); This variant is associated with the following publications: (PMID: 30761300, 25525159, 9199555)

NM_000494.4(COL17A1):c.3046C>T (p.Gln1016Ter)

Gene: COL17A1 (collagen type XVII alpha 1 chain; minus strand). Cytogenetic location: 10q25.1.
Variant type: single nucleotide variant.
Coding change: c.3046C>T on transcript NM_000494.4 (MANE Select); coding-DNA position 3046, C replaced by T.
Protein change: p.Gln1016Ter; replaces glutamine 1016 with a stop codon.
Molecular consequence: nonsense.
Genome position (GRCh38, 1-based): chr10:104,038,430, G>A on the plus strand (C>T on the coding strand, the complement: COL17A1 is on the minus strand). VCF-style: chr10-104038430-G-A. GRCh37 (hg19) VCF-style: chr10-105798188-G-A.
Other names: c.3046C>T, p.Gln1016Ter (LRG_1249t1); short protein forms Q1016*.
Identifiers: ClinVar variation 488824 (VCV000488824.4), dbSNP rs1240465846, ClinGen allele CA378067433.
Genomic context (GRCh38, chr10:104,038,430, plus strand): 5'-TCTTGTCCCCACGGCTTGCGGCGGCCAGCTACTCACTCTGCATGTACTCAGAGATGTACT[G>A]CTGAATCTCCTGGCCAGAGCTGCTGATAGAGCCCGGAGGCCCAGGGGGCCCAGGGGGCCC-3'